The following is an entry in ClinVar:

NM_001009944.3(PKD1):c.11334C>T (p.Thr3778=)

Genes: PKD1 (polycystin 1, transient receptor potential channel interacting; minus strand), PKD1-AS1 (PKD1 antisense RNA 1; plus strand). Cytogenetic location: 16p13.3.
Variant type: single nucleotide variant.
Coding change: c.11334C>T on transcript NM_001009944.3 (MANE Select); coding-DNA position 11334, C replaced by T.
Protein change: p.Thr3778=; no amino-acid change (threonine 3778 retained).
Molecular consequence: synonymous variant.
Genome position (GRCh38, 1-based): chr16:2,092,124, G>A on the plus strand (C>T on the coding strand, the complement: PKD1 is on the minus strand). VCF-style: chr16-2092124-G-A. GRCh37 (hg19) VCF-style: chr16-2142125-G-A.
Other names: c.11331C>T, p.Thr3777= (NM_000296.4).
Identifiers: ClinVar variation 4987878 (VCV004987878.1).
Genomic context (GRCh38, chr16:2,092,124, plus strand): 5'-TGAATAGGCCCACGTCCCCGAGCCATTGTGAGGACTCTCCCAGCCAACGTCGTAATCGCT[G>A]GTGCTGAAGCCTCCTGCGGCCGAGCACGTGTGGACCCTGGGGCCGGGAGGGTCTGGGTAG-3'
Protein context (NP_001009944.3, residues 3768-3788): HTCSAAGGFS[Thr3778=]SDYDVGWESP

ClinVar aggregate classification (germline): Likely benign (1 of 4 stars; one submission).

Conditions:
PKD1-related disorder. Also called: PKD1-related condition.

gnomAD v4.1: 8 of 1,612,720 alleles (0.0005%); highest among the groups gnomAD compares: South Asian, 0.0044%; no homozygotes.

Submission:

PreventionGenetics, part of Exact Sciences
Classification: Likely benign for PKD1-related condition. Last evaluated: 2025-03-17. Review status: criteria provided, single submitter. Criteria: ACMG Guidelines, 2015. Collection method: clinical testing. Allele origin: germline.
Comment: This variant is classified as likely benign based on ACMG/AMP sequence variant interpretation guidelines (Richards et al. 2015 PMID: 25741868, with internal and published modifications).